The following is an entry in ClinVar:

NM_003839.4(TNFRSF11A):c.923G>A (p.Cys308Tyr)

Gene: TNFRSF11A (TNF receptor superfamily member 11a; plus strand). Cytogenetic location: 18q21.33.
Variant type: single nucleotide variant.
Coding change: c.923G>A on transcript NM_003839.4 (MANE Select); coding-DNA position 923, G replaced by A.
Protein change: p.Cys308Tyr; replaces cysteine 308 with tyrosine.
Molecular consequence: missense variant. On other transcripts: intron variant (3).
Genome position (GRCh38, 1-based): chr18:62,368,840, G>A. VCF-style: chr18-62368840-G-A. GRCh37 (hg19) VCF-style: chr18-60036073-G-A.
Other names: c.881G>A, p.Cys294Tyr (NM_001278268.2); c.783+2080G>A (NM_001270949.2); c.730+7047G>A (NM_001270950.2); c.616+8791G>A (NM_001270951.2); short protein forms C294Y, C308Y.
Identifiers: ClinVar variation 1966021 (VCV001966021.5), dbSNP rs763347757, ClinGen allele CA8983889.
Genomic context (GRCh38, chr18:62,368,840, plus strand): 5'-TGACTCTGGAGGAGAAGACATTTCCAGAAGATATGTGCTACCCAGATCAAGGTGGTGTCT[G>A]TCAGGGCACATGTGTAGGAGGTGGTCCCTACGCACAAGGCGAAGATGCCAGGATGCTCTC-3'
Protein context (NP_003830.1, residues 298-318): DMCYPDQGGV[Cys308Tyr]QGTCVGGGPY

ClinVar aggregate classification (germline): Uncertain significance (1 of 4 stars; one submission).

Allele frequency attached by ClinVar (database versions not stated): TOPMed 0.00002; gnomAD exomes 0.00003; ExAC 0.00011.
gnomAD v4.1: 50 of 1,614,134 alleles (0.0031%); highest among the groups gnomAD compares: Non-Finnish European, 0.0038%; no homozygotes.

Submission:

Labcorp Genetics (formerly Invitae), Labcorp
Classification: Uncertain significance. Last evaluated: 2025-05-13. Review status: criteria provided, single submitter. Criteria: Invitae Variant Classification Sherloc (09022015). Collection method: clinical testing. Allele origin: germline.
Comment: This sequence change replaces cysteine, which is neutral and slightly polar, with tyrosine, which is neutral and polar, at codon 308 of the TNFRSF11A protein (p.Cys308Tyr). This variant is present in population databases (rs763347757, gnomAD 0.01%). This variant has not been reported in the literature in individuals affected with TNFRSF11A-related conditions. ClinVar contains an entry for this variant (Variation ID: 1966021). An algorithm developed to predict the effect of missense changes on protein structure and function (PolyPhen-2) suggests that this variant is likely to be disruptive. In summary, the available evidence is currently insufficient to determine the role of this variant in disease. Therefore, it has been classified as a Variant of Uncertain Significance.